The following is an entry in ClinVar:

NM_201253.3(CRB1):c.4207G>A (p.Glu1403Lys)

Gene: CRB1 (crumbs cell polarity complex component 1; plus strand). Cytogenetic location: 1q31.3.
Variant type: single nucleotide variant.
Coding change: c.4207G>A on transcript NM_201253.3 (MANE Select); coding-DNA position 4207, G replaced by A.
Protein change: p.Glu1403Lys; replaces glutamic acid 1403 with lysine.
Molecular consequence: missense variant. On other transcripts: non-coding transcript variant (2).
Genome position (GRCh38, 1-based): chr1:197,477,865, G>A. VCF-style: chr1-197477865-G-A. GRCh37 (hg19) VCF-style: chr1-197446995-G-A.
Other names: c.3871G>A, p.Glu1291Lys (NM_001193640.2); c.4135G>A, p.Glu1379Lys (NM_001257965.2); c.2599G>A, p.Glu867Lys (NM_001257966.2); short protein forms E1291K, E867K, E1403K, E1379K.
Identifiers: ClinVar variation 2943494 (VCV002943494.3), dbSNP rs1667269806, ClinGen allele CA344036084.

ClinVar aggregate classification (germline): Likely pathogenic (1 of 4 stars; one submission).

Conditions:
Retinitis pigmentosa 12 (RP12). Also called: RP WITH OR WITHOUT PPRPE; RP WITH OR WITHOUT PRESERVED PARAARTERIOLE RETINAL PIGMENT EPITHELIUM; RETINITIS PIGMENTOSA WITH OR WITHOUT PARAARTERIOLAR PRESERVATION OF RETINAL PIGMENT EPITHELIUM. Identifiers: Orphanet 791, MedGen C1838647, MONDO:0010818, OMIM 600105.
Leber congenital amaurosis 8 (LCA8). Identifiers: Orphanet 65, MedGen C3151202, MONDO:0013453, OMIM 613835.

Submission:

Labcorp Genetics (formerly Invitae), Labcorp
Classification: Likely pathogenic for Leber congenital amaurosis 8; Retinitis pigmentosa 12. Last evaluated: 2023-01-21. Review status: criteria provided, single submitter. Criteria: Invitae Variant Classification Sherloc (09022015). Collection method: clinical testing. Allele origin: germline.
Comment: In summary, the currently available evidence indicates that the variant is pathogenic, but additional data are needed to prove that conclusively. Therefore, this variant has been classified as Likely Pathogenic. This variant disrupts the p.Glu1403 amino acid residue in CRB1. Other variant(s) that disrupt this residue have been determined to be pathogenic (PMID: 24715753, 33090715). This suggests that this residue is clinically significant, and that variants that disrupt this residue are likely to be disease-causing. Advanced modeling of protein sequence and biophysical properties (such as structural, functional, and spatial information, amino acid conservation, physicochemical variation, residue mobility, and thermodynamic stability) performed at Invitae indicates that this missense variant is expected to disrupt CRB1 protein function. This variant has not been reported in the literature in individuals affected with CRB1-related conditions. This variant is not present in population databases (gnomAD no frequency). This sequence change replaces glutamic acid, which is acidic and polar, with lysine, which is basic and polar, at codon 1403 of the CRB1 protein (p.Glu1403Lys).

Literature cited by the submitters: PubMed 24715753; PubMed 33090715.